The following is an entry in ClinVar:

ClinVar aggregate classification (germline): Uncertain significance. Review status: criteria provided, multiple submitters, no conflicts (2 of 4 stars). 2 submissions from 2 submitters: Uncertain significance (2). Last evaluated 2024-02-24.

Conditions:
Retinal dystrophy. Also called: Inherited retinal dystrophy. Identifiers: Orphanet 71862, MedGen C0854723, MeSH D058499, MONDO:0019118, HP:0000556.
Primary ciliary dyskinesia. Also called: Ciliary dyskinesia. Identifiers: Orphanet 244, MedGen C0008780, MONDO:0016575, HP:0012265.

Allele frequency attached by ClinVar (database versions not stated): gnomAD exomes below 0.00001; TOPMed 0.00001.
gnomAD v4.1: 2 of 1,210,932 alleles (0.00017%); highest among the groups gnomAD compares: East Asian, 0.0059%; no homozygotes.

Submissions (2):

Labcorp Genetics (formerly Invitae), Labcorp
Classification: Uncertain significance for Primary ciliary dyskinesia. Last evaluated: 2024-02-24. Review status: criteria provided, single submitter. Criteria: Invitae Variant Classification Sherloc (09022015). Collection method: clinical testing. Allele origin: germline.
Comment: This sequence change replaces glycine, which is neutral and non-polar, with serine, which is neutral and polar, at codon 653 of the RPGR (ORF15) protein (p.Gly653Ser). This variant is not present in population databases (gnomAD no frequency). This variant has not been reported in the literature in individuals affected with RPGR (ORF15)-related conditions. ClinVar contains an entry for this variant (Variation ID: 2193018). Advanced modeling of protein sequence and biophysical properties (such as structural, functional, and spatial information, amino acid conservation, physicochemical variation, residue mobility, and thermodynamic stability) performed at Invitae indicates that this missense variant is not expected to disrupt RPGR (ORF15) protein function with a negative predictive value of 95%. In summary, the available evidence is currently insufficient to determine the role of this variant in disease. Therefore, it has been classified as a Variant of Uncertain Significance.

Dept Of Ophthalmology, Nagoya University
Classification: Uncertain significance for Retinal dystrophy. Last evaluated: 2023-10-01. Review status: criteria provided, single submitter. Criteria: Submitter's publication. Collection method: research. Allele origin: germline. Affected: yes.

NM_001034853.2(RPGR):c.1957G>A (p.Gly653Ser)

Gene: RPGR (retinitis pigmentosa GTPase regulator; minus strand). Cytogenetic location: Xp11.4.
Variant type: single nucleotide variant.
Coding change: c.1957G>A on transcript NM_001034853.2 (MANE Select); coding-DNA position 1957, G replaced by A.
Protein change: p.Gly653Ser; replaces glycine 653 with serine.
Molecular consequence: missense variant. On other transcripts: intron variant (8).
Genome position (GRCh38, 1-based): chrX:38,287,042, C>T on the plus strand (G>A on the coding strand, the complement: RPGR is on the minus strand). VCF-style: chrX-38287042-C-T. GRCh37 (hg19) VCF-style: chrX-38146295-C-T.
Other names: c.1569+3917G>A (NM_001367249.1, NM_001367250.1); c.1902+52G>A (NM_001367245.1); c.1386+3917G>A (NM_001367251.1); c.1719+52G>A (NM_001367246.1); c.1572+3917G>A (NM_001367247.1); c.1905+52G>A (NM_000328.3); c.1602+3917G>A (NM_001367248.1); short protein forms G653S.
Identifiers: ClinVar variation 2193018 (VCV002193018.5), dbSNP rs902148095, ClinGen allele CA327916509.